The following is an entry in ClinVar:

NM_001267550.2(TTN):c.91626G>A (p.Glu30542=)

Genes: TTN (titin; minus strand), TTN-AS1 (TTN antisense RNA 1; plus strand). Cytogenetic location: 2q31.2.
Variant type: single nucleotide variant.
Coding change: c.91626G>A on transcript NM_001267550.2 (MANE Select); coding-DNA position 91626, G replaced by A.
Protein change: p.Glu30542=; no amino-acid change (glutamic acid 30542 retained).
Molecular consequence: synonymous variant.
Genome position (GRCh38, 1-based): chr2:178,550,212, C>T on the plus strand (G>A on the coding strand, the complement: TTN is on the minus strand). VCF-style: chr2-178550212-C-T. GRCh37 (hg19) VCF-style: chr2-179414939-C-T.
Other names: c.86703G>A, p.Glu28901= (NM_001256850.1); c.64431G>A, p.Glu21477= (NM_003319.4); c.83922G>A, p.Glu27974= (NM_133378.4); c.64806G>A, p.Glu21602= (NM_133432.3); c.65007G>A, p.Glu21669= (NM_133437.4).
Identifiers: ClinVar variation 1119566 (VCV001119566.10), dbSNP rs761453557, ClinGen allele CA1987585.
Genomic context (GRCh38, chr2:178,550,212, plus strand): 5'-TTTGAACCAAGTTACTCGAGGCACTGGTCTTCCTTGTACCAAAGCTTTAATTCTAAGGCT[C>T]TCTCCGGACTTAATAATGAGACCATCAAAGTATTCAGGGCCAAACTCTACTATTGGTGGA-3'
Protein context (NP_001254479.2, residues 30532-30552): YFDGLIIKSG[Glu30542=]SLRIKALVQG

ClinVar aggregate classification (germline): Likely benign. Review status: criteria provided, multiple submitters, no conflicts (2 of 4 stars). 2 submissions from 2 submitters: Likely benign (2). Last evaluated 2026-06-09.

Conditions:
TTN-related disorder. Also called: TTN-related condition; TTN-related disease; TTN-related disorders.
Autosomal recessive limb-girdle muscular dystrophy type 2J (LGMDR10). Also called: Limb-girdle muscular dystrophy, type 2J; MUSCULAR DYSTROPHY, LIMB-GIRDLE, AUTOSOMAL RECESSIVE 10. Identifiers: Orphanet 140922, MedGen C1837342, MONDO:0012127, OMIM 608807.
Dilated cardiomyopathy 1G (CMD1G). Identifiers: Orphanet 154, MedGen C1858763, MONDO:0011400, OMIM 604145.

Allele frequency attached by ClinVar (database versions not stated): gnomAD exomes below 0.00001; ExAC 0.00001; gnomAD 0.00001.
gnomAD v4.1: 4 of 1,613,518 alleles (0.00025%); highest among the groups gnomAD compares: Admixed American, 0.0017%; no homozygotes.

Submissions (2):

PreventionGenetics, part of Exact Sciences
Classification: Likely benign for TTN-related condition. Last evaluated: 2026-06-09. Review status: criteria provided, single submitter. Criteria: ACMG Guidelines, 2015. Collection method: clinical testing. Allele origin: germline.
Comment: This variant is classified as likely benign based on ACMG/AMP sequence variant interpretation guidelines (Richards et al. 2015 PMID: 25741868, with internal and published modifications).

Labcorp Genetics (formerly Invitae), Labcorp
Classification: Likely benign for Dilated cardiomyopathy 1G; Autosomal recessive limb-girdle muscular dystrophy type 2J. Last evaluated: 2025-10-01. Review status: criteria provided, single submitter. Criteria: Invitae Variant Classification Sherloc (09022015). Collection method: clinical testing. Allele origin: germline.